The following is an entry in ClinVar:

NM_005896.4(IDH1):c.158A>G (p.Asn53Ser)

Gene: IDH1 (isocitrate dehydrogenase (NADP(+)) 1; minus strand). Cytogenetic location: 2q34.
Variant type: single nucleotide variant.
Coding change: c.158A>G on transcript NM_005896.4 (MANE Select); coding-DNA position 158, A replaced by G.
Protein change: p.Asn53Ser; replaces asparagine 53 with serine.
Molecular consequence: missense variant.
Genome position (GRCh38, 1-based): chr2:208,248,625, T>C on the plus strand (A>G on the coding strand, the complement: IDH1 is on the minus strand). VCF-style: chr2-208248625-T-C. GRCh37 (hg19) VCF-style: chr2-209113349-T-C.
Other names: c.158A>G, p.Asn53Ser (NM_001282386.1, NM_001282387.1); short protein forms N53S.
Identifiers: ClinVar variation 1775873 (VCV001775873.2), dbSNP rs2124863943, ClinGen allele CA350102491.

ClinVar aggregate classification (germline): Uncertain significance (1 of 4 stars; one submission).

Submission:

Ambry Genetics
Classification: Uncertain significance. Last evaluated: 2022-07-10. Review status: criteria provided, single submitter. Criteria: Ambry Variant Classification Scheme 2023. Collection method: clinical testing. Allele origin: germline.
Comment: The p.N53S variant (also known as c.158A>G), located in coding exon 2 of the IDH1 gene, results from an A to G substitution at nucleotide position 158. The asparagine at codon 53 is replaced by serine, an amino acid with highly similar properties. This amino acid position is conserved. In addition, this alteration is predicted to be tolerated by in silico analysis. Since supporting evidence is limited at this time, the clinical significance of this alteration remains unclear.